The following is an entry in ClinVar:

ClinVar aggregate classification (germline): Likely benign (1 of 4 stars; one submission).

gnomAD v4.1: 13 of 1,614,108 alleles (0.00081%); highest among the groups gnomAD compares: Admixed American, 0.017%; no homozygotes.

Submission:

Athena Diagnostics
Classification: Likely benign. Last evaluated: 2024-12-02. Review status: criteria provided, single submitter. Criteria: Athena Diagnostics Criteria. Collection method: clinical testing. Allele origin: unknown.
Comment: Computational tools yielded predictions that this variant is unlikely to have an effect on normal RNA splicing. This nucleotide position exhibits low evolutionary conservation.

NM_018319.4(TDP1):c.1005C>G (p.Leu335=)

Gene: TDP1 (tyrosyl-DNA phosphodiesterase 1; plus strand). Cytogenetic location: 14q32.11.
Variant type: single nucleotide variant.
Coding change: c.1005C>G on transcript NM_018319.4 (MANE Select); coding-DNA position 1005, C replaced by G.
Protein change: p.Leu335=; no amino-acid change (leucine 335 retained).
Molecular consequence: synonymous variant.
Genome position (GRCh38, 1-based): chr14:89,984,636, C>G. VCF-style: chr14-89984636-C-G. GRCh37 (hg19) VCF-style: chr14-90450980-C-G.
Other names: c.1005C>G, p.Leu335= (NM_001008744.2, NM_001330205.2).
Identifiers: ClinVar variation 3571548 (VCV003571548.2).
Genomic context (GRCh38, chr14:89,984,636, plus strand): 5'-GCCAACACATTTTAAAGCTGATCTCATCAGTTACTTGATGGCTTATAATGCCCCTTCTCT[C>G]AAGGAGTGGATAGATGTCATTCACAAGCACGATCTCTCTGAAACAAAGTATGTGTCAGCT-3'
Protein context (NP_060789.2, residues 325-345): SYLMAYNAPS[Leu335=]KEWIDVIHKH